The following is an entry in ClinVar:

NM_003482.4(KMT2D):c.9892C>T (p.Pro3298Ser)

Gene: KMT2D (lysine methyltransferase 2D; minus strand). Cytogenetic location: 12q13.12.
Variant type: single nucleotide variant.
Coding change: c.9892C>T on transcript NM_003482.4 (MANE Select); coding-DNA position 9892, C replaced by T.
Protein change: p.Pro3298Ser; replaces proline 3298 with serine.
Molecular consequence: missense variant.
Genome position (GRCh38, 1-based): chr12:49,037,464, G>A on the plus strand (C>T on the coding strand, the complement: KMT2D is on the minus strand). VCF-style: chr12-49037464-G-A. GRCh37 (hg19) VCF-style: chr12-49431247-G-A.
Other names: short protein forms P3298S.
Identifiers: ClinVar variation 4801218 (VCV004801218.1).

ClinVar aggregate classification (germline): Uncertain significance (1 of 4 stars; one submission).

Conditions:
Kabuki syndrome. Also called: NIIKAWA-KUROKI SYNDROME; Kabuki make-up syndrome. Identifiers: Orphanet 2322, MedGen C0796004, MONDO:0016512.

gnomAD v4.1: 1 of 1,568,998 alleles (0.000064%); highest among the groups gnomAD compares: East Asian, 0.0024%; no homozygotes.

Submission:

Labcorp Genetics (formerly Invitae), Labcorp
Classification: Uncertain significance for Kabuki syndrome. Last evaluated: 2025-03-12. Review status: criteria provided, single submitter. Criteria: Invitae Variant Classification Sherloc (09022015). Collection method: clinical testing. Allele origin: germline.
Comment: This sequence change replaces proline, which is neutral and non-polar, with serine, which is neutral and polar, at codon 3298 of the KMT2D protein (p.Pro3298Ser). This variant is not present in population databases (gnomAD no frequency). This variant has not been reported in the literature in individuals affected with KMT2D-related conditions. Invitae Evidence Modeling of protein sequence and biophysical properties (such as structural, functional, and spatial information, amino acid conservation, physicochemical variation, residue mobility, and thermodynamic stability) indicates that this missense variant is not expected to disrupt KMT2D protein function with a negative predictive value of 95%. In summary, the available evidence is currently insufficient to determine the role of this variant in disease. Therefore, it has been classified as a Variant of Uncertain Significance.